The following is an entry in ClinVar:

ClinVar aggregate classification (germline): Pathogenic/Likely pathogenic. Review status: criteria provided, multiple submitters, no conflicts (2 of 4 stars). 2 submissions from 2 submitters: Pathogenic (1); Likely pathogenic (1). Last evaluated 2022-03-17.

Conditions:
Fanconi anemia (FA). Also called: Fanconi's anemia. Identifiers: Orphanet 84, MedGen C0015625, MeSH D005199, MONDO:0019391.

Allele frequency attached by ClinVar (database versions not stated): gnomAD exomes below 0.00001.
gnomAD v4.1: 1 of 1,614,168 alleles (0.000062%); highest among the groups gnomAD compares: African/African-American, 0.0013%; no homozygotes.

Submissions (2):

AiLife Diagnostics
Classification: Likely pathogenic. Last evaluated: 2022-03-17. Review status: criteria provided, single submitter. Criteria: ACMG Guidelines, 2015. Collection method: clinical testing. Allele origin: germline. Affected: yes. Observed: 1 variant allele.

Labcorp Genetics (formerly Invitae), Labcorp
Classification: Pathogenic for Fanconi anemia. Last evaluated: 2019-03-03. Review status: criteria provided, single submitter. Criteria: Invitae Variant Classification Sherloc (09022015). Collection method: clinical testing. Allele origin: germline.
Comment: For these reasons, this variant has been classified as Pathogenic. Loss-of-function variants in SLX4 are known to be pathogenic (PMID: 21240277). This variant has not been reported in the literature in individuals with SLX4-related conditions. This variant is not present in population databases (ExAC no frequency). This sequence change creates a premature translational stop signal (p.Gln187*) in the SLX4 gene. It is expected to result in an absent or disrupted protein product.

Literature cited by the submitters: PubMed 21240277 (cited by Labcorp Genetics (formerly Invitae), Labcorp).

NM_032444.4(SLX4):c.559C>T (p.Gln187Ter)

Gene: SLX4 (SLX4 structure-specific endonuclease subunit; minus strand). Cytogenetic location: 16p13.3.
Variant type: single nucleotide variant.
Coding change: c.559C>T on transcript NM_032444.4 (MANE Select); coding-DNA position 559, C replaced by T.
Protein change: p.Gln187Ter; replaces glutamine 187 with a stop codon.
Molecular consequence: nonsense.
Genome position (GRCh38, 1-based): chr16:3,606,675, G>A on the plus strand (C>T on the coding strand, the complement: SLX4 is on the minus strand). VCF-style: chr16-3606675-G-A. GRCh37 (hg19) VCF-style: chr16-3656676-G-A.
Other names: short protein forms Q187*.
Identifiers: ClinVar variation 859189 (VCV000859189.8), dbSNP rs2040788600, ClinGen allele CA394546854.